The following is an entry in ClinVar:

ClinVar aggregate classification (germline): Likely benign (0 of 4 stars; one submission).

Conditions:
LEPR-related disorder. Also called: LEPR-related condition; LEPR-related disorders.

gnomAD v4.1: 31 of 1,613,490 alleles (0.0019%); highest among the groups gnomAD compares: Non-Finnish European, 0.0025%; no homozygotes.

Submission:

PreventionGenetics, part of Exact Sciences
Classification: Likely benign for LEPR-related condition. Last evaluated: 2023-01-30. Review status: no assertion criteria provided. Collection method: clinical testing. Allele origin: germline.
Comment: This variant is classified as likely benign based on ACMG/AMP sequence variant interpretation guidelines (Richards et al. 2015 PMID: 25741868, with internal and published modifications).

NM_002303.6(LEPR):c.1284T>C (p.Ile428=)

Gene: LEPR (leptin receptor; plus strand). Cytogenetic location: 1p31.3.
Variant type: single nucleotide variant.
Coding change: c.1284T>C on transcript NM_002303.6 (MANE Select); coding-DNA position 1284, T replaced by C.
Protein change: p.Ile428=; no amino-acid change (isoleucine 428 retained).
Molecular consequence: synonymous variant.
Genome position (GRCh38, 1-based): chr1:65,601,681, T>C. VCF-style: chr1-65601681-T-C. GRCh37 (hg19) VCF-style: chr1-66067364-T-C.
Other names: c.1284T>C, p.Ile428= (NM_001003679.3, NM_001003680.3, NM_001198687.2 and 2 more transcripts).
Identifiers: ClinVar variation 3350551 (VCV003350551.1).
Genomic context (GRCh38, chr1:65,601,681, plus strand): 5'-TGCAGTGTACTGCTGCAATGAACATGAATGCCATCATCGCTATGCTGAATTATATGTGAT[T>C]GGTAAGAAAACAGAGGTTTTGTTCATTTTGTTCCACAACTTGAATTTTCATTATGGACCC-3'
Protein context (NP_002294.2, residues 418-438): CHHRYAELYV[Ile428=]DVNINISCET